The following is an entry in ClinVar:

NM_022489.4(INF2):c.-9-1774G>A

Gene: INF2 (inverted formin 2; plus strand). Cytogenetic location: 14q32.33.
Variant type: single nucleotide variant.
Coding change: c.-9-1774G>A on transcript NM_022489.4 (MANE Select); 1774 bases into the intron before 9 bases upstream of the start codon, G replaced by A.
Molecular consequence: intron variant.
Genome position (GRCh38, 1-based): chr14:104,699,583, G>A. VCF-style: chr14-104699583-G-A. GRCh37 (hg19) VCF-style: chr14-105165920-G-A.
Other names: c.-9-1774G>A (NM_001426863.1, NM_001426865.1, NM_001426868.1 and 6 more transcripts).
Identifiers: ClinVar variation 3341830 (VCV003341830.16).

ClinVar aggregate classification (germline): Likely benign (1 of 4 stars; one submission).

gnomAD v4.1: 731 of 985,282 alleles (0.074%); highest among the groups gnomAD compares: Middle Eastern, 0.42%; 2 homozygotes.

Submission:

CeGaT Center for Human Genetics Tuebingen
Classification: Likely benign. Last evaluated: 2026-10-01. Review status: criteria provided, single submitter. Criteria: CeGaT Center For Human Genetics Tuebingen Variant Classification Criteria Version 2. Collection method: clinical testing. Allele origin: germline. Affected: yes. Observed: 7 variant alleles.
Comment: INF2: BP4, BP7